The following is an entry in ClinVar:

NM_183357.3(ADCY5):c.1067T>C (p.Leu356Pro)

Gene: ADCY5 (adenylate cyclase 5; minus strand). Cytogenetic location: 3q21.1.
Variant type: single nucleotide variant.
Coding change: c.1067T>C on transcript NM_183357.3 (MANE Select); coding-DNA position 1067, T replaced by C.
Protein change: p.Leu356Pro; replaces leucine 356 with proline.
Molecular consequence: missense variant.
Genome position (GRCh38, 1-based): chr3:123,447,479, A>G on the plus strand (T>C on the coding strand, the complement: ADCY5 is on the minus strand). VCF-style: chr3-123447479-A-G. GRCh37 (hg19) VCF-style: chr3-123166326-A-G.
Other names: c.1067T>C, p.Leu356Pro (NM_001378259.1); short protein forms L356P.
Identifiers: ClinVar variation 4530965 (VCV004530965.1).
Genomic context (GRCh38, chr3:123,447,479, plus strand): 5'-AGCAGGAACTGGTCCTGGGCGTTGGTGCGCAGGGCGATGGCCAGGTGGAGGGCGGACAGG[A>G]GCACCCCGCTGAGCACTGCGGCCCGCATGCGCACGGGCAGCAGCGTGTAGATGGTGTAGA-3'
Protein context (NP_899200.1, residues 346-366): RMRAAVLSGV[Leu356Pro]LSALHLAIAL

ClinVar aggregate classification (germline): Uncertain significance (1 of 4 stars; one submission).

Submission:

GeneDx
Classification: Uncertain significance. Last evaluated: 2025-05-21. Review status: criteria provided, single submitter. Criteria: GeneDx Variant Classification Process June 2021. Collection method: clinical testing. Allele origin: germline. Affected: yes.
Comment: Not observed at significant frequency in large population cohorts (gnomAD); In silico analysis supports that this missense variant has a deleterious effect on protein structure/function; Has not been previously published as pathogenic or benign to our knowledge